The following is an entry in ClinVar:

ClinVar aggregate classification (germline): Likely benign. Review status: criteria provided, multiple submitters, no conflicts (2 of 4 stars). 2 submissions from 2 submitters: Likely benign (2). Last evaluated 2015-12-30.

Conditions:
Familial thoracic aortic aneurysm and aortic dissection (TAAD). Also called: Thoracic aortic aneurysms and dissections. Identifiers: Orphanet 91387, MedGen C4707243, MONDO:0019625.

Allele frequency attached by ClinVar (database versions not stated): gnomAD exomes below 0.00001 and 0.00001; gnomAD 0.00001; TOPMed 0.00002.
gnomAD v4.1: 4 of 1,209,102 alleles (0.00033%); highest among the groups gnomAD compares: Non-Finnish European, 0.00011%; no homozygotes.

Submissions (2):

GeneDx
Classification: Likely benign. Last evaluated: 2015-12-30. Review status: criteria provided, single submitter. Criteria: GeneDx Variant Classification (06012015). Collection method: clinical testing. Allele origin: germline. Affected: yes.
Comment: This variant is considered likely benign or benign based on one or more of the following criteria: it is a conservative change, it occurs at a poorly conserved position in the protein, it is predicted to be benign by multiple in silico algorithms, and/or has population frequency not consistent with disease.

Ambry Genetics
Classification: Likely benign for Familial thoracic aortic aneurysm and aortic dissection. Last evaluated: 2015-12-14. Review status: criteria provided, single submitter. Criteria: Ambry Variant Classification Scheme 2023. Collection method: clinical testing. Allele origin: germline.

NM_001110556.2(FLNA):c.1326C>T (p.Tyr442=)

Gene: FLNA (filamin A; minus strand). Cytogenetic location: Xq28.
Variant type: single nucleotide variant.
Coding change: c.1326C>T on transcript NM_001110556.2 (MANE Select); coding-DNA position 1326, C replaced by T.
Protein change: p.Tyr442=; no amino-acid change (tyrosine 442 retained).
Molecular consequence: synonymous variant.
Genome position (GRCh38, 1-based): chrX:154,366,127, G>A on the plus strand (C>T on the coding strand, the complement: FLNA is on the minus strand). VCF-style: chrX-154366127-G-A. GRCh37 (hg19) VCF-style: chrX-153594495-G-A.
Other names: c.1326C>T, p.Tyr442= (NM_001456.4).
Identifiers: ClinVar variation 264620 (VCV000264620.5), dbSNP rs886039209, ClinGen allele CA10587972.